The following is an entry in ClinVar:

ClinVar aggregate classification (germline): Uncertain significance. Review status: criteria provided, multiple submitters, no conflicts (2 of 4 stars). 3 submissions from 3 submitters: Uncertain significance (3). Last evaluated 2026-05-12.

Conditions:
Developmental and epileptic encephalopathy, 1 (DEE1). Also called: X-linked infantile spasms; West's syndrome; Tonic spasms with clustering, arrest of psychomotor development and hypsarrhythmia on EEG; X-Linked Infantile Spasm Syndrome; OHTAHARA SYNDROME, X-LINKED; Epileptic encephalopathy, early infantile, 1. Identifiers: MedGen C3463992, MONDO:0010632, OMIM 308350. Disease mechanism: loss of function.
Autosomal dominant nonsyndromic hearing loss 65. Also called: Deafness, autosomal dominant 65; TBC1D24-Related Autosomal Dominant Nonsyndromic Hearing Loss (DFNA). Identifiers: Orphanet 90635, MedGen C3892048, MONDO:0014470, OMIM 616044.
Inborn genetic diseases. Identifiers: MedGen C0950123, MeSH D030342.

Allele frequency attached by ClinVar (database versions not stated): gnomAD exomes below 0.00001; TOPMed below 0.00001; gnomAD 0.00001.
gnomAD v4.1: 3 of 1,569,794 alleles (0.00019%); highest among the groups gnomAD compares: African/African-American, 0.0014%; no homozygotes.

Submissions (3):

Ambry Genetics
Classification: Uncertain significance for Inborn genetic diseases. Last evaluated: 2026-05-12. Review status: criteria provided, single submitter. Criteria: Ambry Variant Classification Scheme 2023. Collection method: clinical testing. Allele origin: germline.

Labcorp Genetics (formerly Invitae), Labcorp
Classification: Uncertain significance for Developmental and epileptic encephalopathy, 1; Autosomal dominant nonsyndromic hearing loss 65. Last evaluated: 2021-10-07. Review status: criteria provided, single submitter. Criteria: Invitae Variant Classification Sherloc (09022015). Collection method: clinical testing. Allele origin: germline.
Comment: In summary, the available evidence is currently insufficient to determine the role of this variant in disease. Therefore, it has been classified as a Variant of Uncertain Significance. Advanced modeling of protein sequence and biophysical properties (such as structural, functional, and spatial information, amino acid conservation, physicochemical variation, residue mobility, and thermodynamic stability) performed at Invitae indicates that this missense variant is not expected to disrupt TBC1D24 protein function. This variant has not been reported in the literature in individuals affected with TBC1D24-related conditions. This variant is not present in population databases (ExAC no frequency). This sequence change replaces cysteine with glycine at codon 505 of the TBC1D24 protein (p.Cys505Gly). The cysteine residue is moderately conserved and there is a large physicochemical difference between cysteine and glycine.

Blueprint Genetics
Classification: Uncertain significance. Last evaluated: 2019-07-31. Review status: criteria provided, single submitter. Criteria: ACMG Guidelines, 2015. Collection method: clinical testing. Allele origin: germline.

NM_001199107.2(TBC1D24):c.1513T>G (p.Cys505Gly)

Gene: TBC1D24 (TBC1 domain family member 24; plus strand). Cytogenetic location: 16p13.3.
Variant type: single nucleotide variant.
Coding change: c.1513T>G on transcript NM_001199107.2 (MANE Select); coding-DNA position 1513, T replaced by G.
Protein change: p.Cys505Gly; replaces cysteine 505 with glycine.
Molecular consequence: missense variant.
Genome position (GRCh38, 1-based): chr16:2,500,478, T>G. VCF-style: chr16-2500478-T-G. GRCh37 (hg19) VCF-style: chr16-2550479-T-G.
Other names: c.1495T>G, p.Cys499Gly (NM_020705.3); c.1513T>G (NM_001199107.1); short protein forms C505G, C499G.
Identifiers: ClinVar variation 1417024 (VCV001417024.11), dbSNP rs761300077, ClinGen allele CA276810012.